The following is an entry in ClinVar:

ClinVar aggregate classification (germline): Pathogenic (1 of 4 stars; one submission).

Conditions:
Neurodevelopmental disorder with coarse facies and mild distal skeletal abnormalities. Also called: STOLERMAN NEURODEVELOPMENTAL SYNDROME. Identifiers: MedGen C5193134, MONDO:0032790, OMIM 618505.

Submission:

Juno Genomics, Hangzhou Juno Genomics, Inc
Classification: Pathogenic for Neurodevelopmental disorder with coarse facies and mild distal skeletal abnormalities. Review status: criteria provided, single submitter. Criteria: ACMG Guidelines, 2015. Collection method: clinical testing. Allele origin: germline. Affected: yes.
Comment: Absent from controls (or at extremely low frequency if recessive) in Genome Aggregation Database, Exome Sequencing Project, 1000 Genomes Project, or Exome Aggregation Consortium.;De novo (both maternity and paternity confirmed) in a patient with the disease and no family history.;Null variant in a gene where loss of function (LOF) is a known mechanism of disease.

NM_001348716.2(KDM6B):c.4162_4165+1del

Genes: KDM6B (lysine demethylase 6B; plus strand), LOC121587574 (Sharpr-MPRA regulatory region 3930; plus strand). Cytogenetic location: 17p13.1.
Variant type: Deletion.
Coding change: c.4162_4165+1del on transcript NM_001348716.2 (MANE Select); coding-DNA position 4162 through the canonical splice donor site of the intron after coding-DNA position 4165, 5 bases deleted (CCAGG; older notation c.4162_4165+1delCCAGG).
Molecular consequence: splice donor variant.
Genome position (GRCh38, 1-based): chr17:7,851,793-7,851,797, CCAGG deleted; deleting any 5 consecutive bases within chr17:7,851,792-7,851,797 gives the same sequence; the c. name uses the placement nearest the transcript's 3' end. VCF-style (leftmost placement, unchanged base first): chr17-7851791-CGCCAG-C. GRCh37 (hg19) VCF-style: chr17-7755109-CGCCAG-C.
Other names: c.4162_4165+1del (NM_001080424.2).
Identifiers: ClinVar variation 3382713 (VCV003382713.2).